The following is an entry in ClinVar:

NM_021008.4(DEAF1):c.1396A>G (p.Thr466Ala)

Genes: DEAF1 (DEAF1 transcription factor; minus strand), LOC126861109 (BRD4-independent group 4 enhancer GRCh37_chr11:673917-675116; plus strand). Cytogenetic location: 11p15.5.
Variant type: single nucleotide variant.
Coding change: c.1396A>G on transcript NM_021008.4 (MANE Select); coding-DNA position 1396, A replaced by G.
Protein change: p.Thr466Ala; replaces threonine 466 with alanine.
Molecular consequence: missense variant.
Genome position (GRCh38, 1-based): chr11:674,643, T>C on the plus strand (A>G on the coding strand, the complement: DEAF1 is on the minus strand). VCF-style: chr11-674643-T-C. GRCh37 (hg19) VCF-style: chr11-674643-T-C.
Other names: c.1129A>G, p.Thr377Ala (NM_001293634.2); c.670A>G, p.Thr224Ala (NM_001367390.1); c.1396A>G (NM_021008.2); short protein forms T466A, T224A, T377A.
Identifiers: ClinVar variation 497678 (VCV000497678.14), dbSNP rs1554941498, ClinGen allele CA378923901.

ClinVar aggregate classification (germline): Uncertain significance. Review status: criteria provided, multiple submitters, no conflicts (2 of 4 stars). 3 submissions from 3 submitters: Uncertain significance (3). Last evaluated 2025-08-23.

Conditions:
Inborn genetic diseases. Identifiers: MedGen C0950123, MeSH D030342.

Submissions (3):

Ambry Genetics
Classification: Uncertain significance for Inborn genetic diseases. Last evaluated: 2025-08-23. Review status: criteria provided, single submitter. Criteria: Ambry Variant Classification Scheme 2023. Collection method: clinical testing. Allele origin: germline.

Labcorp Genetics (formerly Invitae), Labcorp
Classification: Uncertain significance. Last evaluated: 2024-06-20. Review status: criteria provided, single submitter. Criteria: Invitae Variant Classification Sherloc (09022015). Collection method: clinical testing. Allele origin: germline.
Comment: This sequence change replaces threonine, which is neutral and polar, with alanine, which is neutral and non-polar, at codon 466 of the DEAF1 protein (p.Thr466Ala). This variant is not present in population databases (gnomAD no frequency). This variant has not been reported in the literature in individuals affected with DEAF1-related conditions. ClinVar contains an entry for this variant (Variation ID: 497678). Advanced modeling of protein sequence and biophysical properties (such as structural, functional, and spatial information, amino acid conservation, physicochemical variation, residue mobility, and thermodynamic stability) has been performed at Invitae for this missense variant, however the output from this modeling did not meet the statistical confidence thresholds required to predict the impact of this variant on DEAF1 protein function. In summary, the available evidence is currently insufficient to determine the role of this variant in disease. Therefore, it has been classified as a Variant of Uncertain Significance.

Eurofins Ntd Llc (ga)
Classification: Uncertain significance. Last evaluated: 2016-09-28. Review status: criteria provided, single submitter. Criteria: EGL Classification Definitions 2015. Collection method: clinical testing. Allele origin: germline. Observed: 2 variant alleles, 2 heterozygotes.